The following is an entry in ClinVar:

ClinVar aggregate classification (germline): Pathogenic (1 of 4 stars; one submission).

Conditions:
Retinoblastoma (RB1). Also called: RETINOBLASTOMA, SOMATIC. Identifiers: Orphanet 790, MedGen C0035335, MeSH D012175, MONDO:0008380, OMIM 180200, HP:0009919. Disease mechanism: loss of function. Inheritance: Both sporadic and heritable forms are tested..

Submission:

Labcorp Genetics (formerly Invitae), Labcorp
Classification: Pathogenic for Retinoblastoma. Last evaluated: 2024-02-08. Review status: criteria provided, single submitter. Criteria: Invitae Variant Classification Sherloc (09022015). Collection method: clinical testing. Allele origin: germline.
Comment: This sequence change creates a premature translational stop signal (p.Leu385Phefs*6) in the RB1 gene. It is expected to result in an absent or disrupted protein product. Loss-of-function variants in RB1 are known to be pathogenic (PMID: 17096365). This variant is not present in population databases (gnomAD no frequency). This premature translational stop signal has been observed in individual(s) with retinoblastoma (PMID: 15884040). This variant is also known as g.70267_77del11. For these reasons, this variant has been classified as Pathogenic.

Literature cited by the submitters: PubMed 17096365; PubMed 15884040.

NM_000321.3(RB1):c.1155_1165del (p.Leu385fs)

Gene: RB1 (RB transcriptional corepressor 1; plus strand). Cytogenetic location: 13q14.2.
Variant type: Deletion.
Coding change: c.1155_1165del on transcript NM_000321.3 (MANE Select); coding-DNA positions 1155 to 1165, 11 bases deleted (AATGATGATTT).
Protein change: p.Leu385fs; shifts the reading frame from leucine 385.
Molecular consequence: frameshift variant.
Genome position (GRCh38, 1-based): chr13:48,373,432-48,373,442, AATGATGATTT deleted; deleting any 11 consecutive bases within chr13:48,373,430-48,373,442 gives the same sequence; the c. name uses the placement nearest the transcript's 3' end. VCF-style (leftmost placement, unchanged base first): chr13-48373429-ATTAATGATGAT-A. GRCh37 (hg19) VCF-style: chr13-48947565-ATTAATGATGAT-A.
Other names: c.1155_1165del, p.Leu385fs (NM_001407165.1, NM_001407166.1); short protein forms L385fs.
Identifiers: ClinVar variation 3721302 (VCV003721302.2).